The following is an entry in ClinVar:

ClinVar aggregate classification (germline): Uncertain significance (1 of 4 stars; one submission).

Conditions:
DICER1-related tumor predisposition. Also called: DICER1-related pleuropulmonary blastoma cancer predisposition syndrome; DICER1 syndrome. Identifiers: Orphanet 284343, MedGen C3839822, MONDO:0100216.

Submission:

Labcorp Genetics (formerly Invitae), Labcorp
Classification: Uncertain significance for DICER1-related tumor predisposition. Last evaluated: 2021-07-15. Review status: criteria provided, single submitter. Criteria: Invitae Variant Classification Sherloc (09022015). Collection method: clinical testing. Allele origin: germline.
Comment: This sequence change replaces glutamic acid with glutamine at codon 416 of the DICER1 protein (p.Glu416Gln). The glutamic acid residue is highly conserved and there is a small physicochemical difference between glutamic acid and glutamine. This variant is not present in population databases (ExAC no frequency). This variant has not been reported in the literature in individuals affected with DICER1-related conditions. Algorithms developed to predict the effect of missense changes on protein structure and function are either unavailable or do not agree on the potential impact of this missense change (SIFT: "Tolerated"; PolyPhen-2: "Probably Damaging"; Align-GVGD: "Class C0"). In summary, the available evidence is currently insufficient to determine the role of this variant in disease. Therefore, it has been classified as a Variant of Uncertain Significance.

NM_177438.3(DICER1):c.1246G>C (p.Glu416Gln)

Gene: DICER1 (dicer 1, ribonuclease III; minus strand). Cytogenetic location: 14q32.13.
Variant type: single nucleotide variant.
Coding change: c.1246G>C on transcript NM_177438.3 (MANE Select); coding-DNA position 1246, G replaced by C.
Protein change: p.Glu416Gln; replaces glutamic acid 416 with glutamine.
Molecular consequence: missense variant.
Genome position (GRCh38, 1-based): chr14:95,124,326, C>G on the plus strand (G>C on the coding strand, the complement: DICER1 is on the minus strand). VCF-style: chr14-95124326-C-G. GRCh37 (hg19) VCF-style: chr14-95590663-C-G.
Other names: c.1246G>C, p.Glu416Gln (NM_001195573.1, NM_001271282.3, NM_001291628.2 and 1 more transcripts); short protein forms E416Q.
Identifiers: ClinVar variation 1475496 (VCV001475496.9), dbSNP rs1131691220, ClinGen allele CA390886522.